The following is an entry in ClinVar:

NM_172107.4(KCNQ2):c.1930dup (p.Tyr644fs)

Gene: KCNQ2 (potassium voltage-gated channel subfamily Q member 2; minus strand). Cytogenetic location: 20q13.33.
Variant type: Duplication.
Coding change: c.1930dup on transcript NM_172107.4 (MANE Select); coding-DNA position 1930, one base duplicated (T; older notation c.1930dupT).
Protein change: p.Tyr644fs; shifts the reading frame from tyrosine 644.
Molecular consequence: frameshift variant.
Genome position (GRCh38, 1-based): chr20:63,407,333, A duplicated on the plus strand (T on the coding strand, the reverse complement: KCNQ2 is on the minus strand). VCF-style (leftmost placement, unchanged base first): chr20-63407332-T-TA. GRCh37 (hg19) VCF-style: chr20-62038685-T-TA.
Other names: c.1846dup, p.Tyr616fs (NM_004518.6); c.1876dup, p.Tyr626fs (NM_172106.3); c.1837dup, p.Tyr613fs (NM_172108.5); short protein forms Y616fs, Y626fs, Y613fs, Y644fs.
Identifiers: ClinVar variation 205943 (VCV000205943.1), dbSNP rs796052666, ClinGen allele CA315551.

ClinVar aggregate classification (germline): Pathogenic (1 of 4 stars; one submission).

Submission:

GeneDx
Classification: Pathogenic. Last evaluated: 2013-01-24. Review status: criteria provided, single submitter. Criteria: GeneDx Variant Classification (06012015). Collection method: clinical testing. Allele origin: germline. Affected: yes.
Comment: c.1930dupT: p.Tyr644LeufsX221 (Y644LfsX221) in exon 17 of the KCNQ2 gene (NM_172107.2). The normal sequence with the base that is duplicated in braces is: TATC{T}ACAT. The c.1930dupT mutation in the KCNQ2 gene causes a frameshift starting with codon Tyrosine 644, changes this amino acid to a Leucine residue and creates a premature Stop codon at position 221 of the new reading frame, denoted p.Tyr644LeufsX221. This mutation causes the last 229 amino acids of the normal protein to be replaced with 220 incorrect amino acids. This is expected to create a truncated, abnormal protein, which is predicted to have a loss of normal protein function. Although this mutation has not been previously reported to our knowledge, other truncating mutations have been reported in association with epilepsy. The variant is found in INFANT-EPI panel(s).